The following is an entry in ClinVar:

NM_021942.6(TRAPPC11):c.151A>G (p.Ile51Val)

Gene: TRAPPC11 (trafficking protein particle complex subunit 11; plus strand). Cytogenetic location: 4q35.1.
Variant type: single nucleotide variant.
Coding change: c.151A>G on transcript NM_021942.6 (MANE Select); coding-DNA position 151, A replaced by G.
Protein change: p.Ile51Val; replaces isoleucine 51 with valine.
Molecular consequence: missense variant.
Genome position (GRCh38, 1-based): chr4:183,664,018, A>G. VCF-style: chr4-183664018-A-G. GRCh37 (hg19) VCF-style: chr4-184585171-A-G.
Other names: c.151A>G, p.Ile51Val (NM_199053.3); c.151A>G (NM_021942.4); short protein forms I51V.
Identifiers: ClinVar variation 851714 (VCV000851714.30), dbSNP rs141053214, ClinGen allele CA3151492.
Genomic context (GRCh38, chr4:183,664,018, plus strand): 5'-GCAGTCCATCGAGCTGTCTGGGACGCCTTCTGTGCAAATCGGAGAGCTGATCGAGTACCA[A>G]TTTCTTTCAAGGTGCTCCCAGGTGACCATGAGTATCCCAAATGTAGACCCAAGGTAATGG-3'
Protein context (NP_068761.4, residues 41-61): CANRRADRVP[Ile51Val]SFKVLPGDHE

ClinVar aggregate classification (germline): Uncertain significance. Review status: criteria provided, multiple submitters, no conflicts (2 of 4 stars). 3 submissions from 3 submitters: Uncertain significance (3). Last evaluated 2024-02-01.

Conditions:
Inborn genetic diseases. Identifiers: MedGen C0950123, MeSH D030342.
Autosomal recessive limb-girdle muscular dystrophy type R18 (LGMDR18). Also called: MUSCULAR DYSTROPHY, LIMB-GIRDLE, AUTOSOMAL RECESSIVE 18; Autosomal recessive limb-girdle muscular dystrophy type 2S; Limb-girdle muscular dystrophy, type 2S. Identifiers: Orphanet 369840, MedGen C4517996, MONDO:0014144, OMIM 615356.

Allele frequency attached by ClinVar (database versions not stated): TOPMed 0.00005; ESP Exome Variant Server 0.00008; gnomAD exomes 0.00009; ExAC 0.00010.

Submissions (3):

CeGaT Center for Human Genetics Tuebingen
Classification: Uncertain significance. Last evaluated: 2024-02-01. Review status: criteria provided, single submitter. Criteria: CeGaT Center For Human Genetics Tuebingen Variant Classification Criteria Version 2. Collection method: clinical testing. Allele origin: germline. Affected: yes. Observed: 1 variant allele.
Comment: TRAPPC11: PM2

Labcorp Genetics (formerly Invitae), Labcorp
Classification: Uncertain significance for Autosomal recessive limb-girdle muscular dystrophy type R18. Last evaluated: 2022-06-14. Review status: criteria provided, single submitter. Criteria: Invitae Variant Classification Sherloc (09022015). Collection method: clinical testing. Allele origin: germline.
Comment: This sequence change replaces isoleucine, which is neutral and non-polar, with valine, which is neutral and non-polar, at codon 51 of the TRAPPC11 protein (p.Ile51Val). This variant is present in population databases (rs141053214, gnomAD 0.03%). This variant has not been reported in the literature in individuals affected with TRAPPC11-related conditions. ClinVar contains an entry for this variant (Variation ID: 851714). Algorithms developed to predict the effect of missense changes on protein structure and function (SIFT, PolyPhen-2, Align-GVGD) all suggest that this variant is likely to be tolerated. In summary, the available evidence is currently insufficient to determine the role of this variant in disease. Therefore, it has been classified as a Variant of Uncertain Significance.

Ambry Genetics
Classification: Uncertain significance for Inborn genetic diseases. Last evaluated: 2021-01-11. Review status: criteria provided, single submitter. Criteria: Ambry Variant Classification Scheme 2023. Collection method: clinical testing. Allele origin: germline.
Comment: The c.151A>G (p.I51V) alteration is located in exon 2 (coding exon 1) of the TRAPPC11 gene. This alteration results from a A to G substitution at nucleotide position 151, causing the isoleucine (I) at amino acid position 51 to be replaced by a valine (V). The p.I51V alteration is predicted to be tolerated by in silico analysis. Based on insufficient or conflicting evidence, the clinical significance of this alteration remains unclear.